The following is an entry in ClinVar:

NC_000001.10:g.50863202_50874830del

Variant type: Deletion.
Identifiers: ClinVar variation 156738 (VCV000156738.2).

ClinVar aggregate classification (germline): not provided (0 of 4 stars; one submission).

Conditions:
Small for gestational age. Also called: Low birth weight. Identifiers: MedGen C0235991, HP:0001518.

Submission:

Institute of Molecular and Cell Biology, University of Tartu
No classification provided. Condition: Small for gestational age. Review status: no classification provided. Collection method: case-control. Allele origin: unknown. Affected: yes. Study: Kasak2014.
Comment: The study aimed to determine the contribution of copy number variants in the genetic etiology of normal and complicated pregnancies. The samples represented (i) maternal blood DNA drawn from healthy pregnant women during 1st or 2nd trimester and (ii) maternal and paternal blood DNA drawn at term pregnancy cases representing normal and complicated gestations (severe preeclampsia, PE; gestational diabetes, GD; small-for-gestational age newborn, SGA; large-for-gestational age newborn, LGA). We performed CNV calling based on genome-wide genotyping dataset (Illumina HumanOmniExpress-24-v1 BeadChip) by applying three algorithms, QuantiSNP, GADA (Genome Alteration Detection Algorithm) and CNstream in parallel. The acquired CNV calls were merged with HD-CNV (Hotspot Detector for Copy Number Variants) program and only the CNVs predicted by at least two programs, were considered in subsequent analysis.

Literature cited by the submitters: PubMed 25666259.